The following is an entry in ClinVar:

ClinVar aggregate classification (germline): Uncertain significance (1 of 4 stars; one submission).

Conditions:
Cardiovascular phenotype. Identifiers: MedGen CN230736.

Submission:

Ambry Genetics
Classification: Uncertain significance for Cardiovascular phenotype. Last evaluated: 2024-11-24. Review status: criteria provided, single submitter. Criteria: Ambry Variant Classification Scheme 2023. Collection method: clinical testing. Allele origin: germline.
Comment: The p.S748R variant (also known as c.2244C>A), located in coding exon 14 of the CBL gene, results from a C to A substitution at nucleotide position 2244. The serine at codon 748 is replaced by arginine, an amino acid with dissimilar properties. This amino acid position is conserved. In addition, this alteration is predicted to be tolerated by in silico analysis. Based on the available evidence, the clinical significance of this variant remains unclear.

NM_005188.4(CBL):c.2244C>A (p.Ser748Arg)

Gene: CBL (Cbl proto-oncogene; plus strand). Cytogenetic location: 11q23.3.
Variant type: single nucleotide variant.
Coding change: c.2244C>A on transcript NM_005188.4 (MANE Select); coding-DNA position 2244, C replaced by A.
Protein change: p.Ser748Arg; replaces serine 748 with arginine.
Molecular consequence: missense variant.
Genome position (GRCh38, 1-based): chr11:119,297,474, C>A. VCF-style: chr11-119297474-C-A. GRCh37 (hg19) VCF-style: chr11-119168184-C-A.
Other names: short protein forms S748R.
Identifiers: ClinVar variation 3485613 (VCV003485613.1).
Genomic context (GRCh38, chr11:119,297,474, plus strand): 5'-CTGTACGTATGAAGCAATGTATAATATTCAGTCCCAGGCGCCATCTATCACCGAGAGCAG[C>A]ACCTTTGGTAAGTTGCCATTCTGCTACTTTAAAAATCATTGATATGTCATAGGAATGAAC-3'
Protein context (NP_005179.2, residues 738-758): QSQAPSITES[Ser748Arg]TFGEGNLAAA